The following is an entry in ClinVar:

ClinVar aggregate classification (germline): Benign. Review status: criteria provided, multiple submitters, no conflicts (2 of 4 stars). 7 submissions from 7 submitters: Benign (5). 2 of the submissions do not count toward it. Last evaluated 2026-02-04.

Conditions:
Early-infantile DEE. Also called: Early infantile epileptic encephalopathy; Ohtahara syndrome; Early infantile epileptic encephalopathy with suppression bursts. Identifiers: Orphanet 1934, MedGen C0393706, MONDO:0800491.

Allele frequency attached by ClinVar (database versions not stated): 1000 Genomes Project 30x 0.98392; TOPMed 0.98432; gnomAD 0.98480 and 0.98590; 1000 Genomes Project 0.98482; ESP Exome Variant Server 0.98539; ExAC 0.99591; gnomAD exomes 0.99656 and 0.99871.
gnomAD v4.1: 1,610,141 of 1,614,244 alleles (100%); highest among the groups gnomAD compares: East Asian, 100%; 803,113 homozygotes.

Submissions (7):

Labcorp Genetics (formerly Invitae), Labcorp
Classification: Benign for Early-infantile DEE. Last evaluated: 2026-02-04. Review status: criteria provided, single submitter. Criteria: Invitae Variant Classification Sherloc (09022015). Collection method: clinical testing. Allele origin: germline.

Blueprint Genetics
Classification: Benign. Last evaluated: 2024-11-27. Review status: criteria provided, single submitter. Criteria: ACMG Guidelines, 2015. Collection method: clinical testing. Allele origin: germline.

Unidad de Genómica Garrahan, Hospital de Pediatría Garrahan
Classification: Benign. Last evaluated: 2024-07-15. Review status: criteria provided, single submitter. Criteria: ACMG Guidelines, 2015. Collection method: clinical testing. Allele origin: germline. Affected: no. Observed: 93 variant alleles.
Comment: This variant is classified as Benign based on local population frequency. This variant was detected in 100% of patients studied in a panel designed for Epileptic and Developmental Encephalopathy and Progressive Myoclonus Epilepsy. Number of patients: 93. Only high quality variants are reported.

Mayo Clinic Laboratories, Mayo Clinic
Classification: Benign. Last evaluated: 2022-03-24. Review status: criteria provided, single submitter. Criteria: ACMG Guidelines, 2015. Collection method: clinical testing. Allele origin: germline. Observed: 1,667 variant alleles.

Breakthrough Genomics
Classification: Benign. Review status: criteria provided, single submitter. Criteria: ACMG Guidelines, 2015. Collection method: not provided. Allele origin: germline. Inheritance: Autosomal dominant inheritance. Affected: yes.

Diagnostic Laboratory, Department of Genetics, University Medical Center Groningen
Classification: Benign. Review status: no assertion criteria provided. Collection method: clinical testing. Allele origin: germline. Affected: yes. Study: VKGL Data-share Consensus. Not counted in ClinVar's aggregate classification.

Joint Genome Diagnostic Labs from Nijmegen and Maastricht, Radboudumc and MUMC+
Classification: Benign. Review status: no assertion criteria provided. Collection method: clinical testing. Allele origin: germline. Affected: yes. Study: VKGL Data-share Consensus. Not counted in ClinVar's aggregate classification.

NM_001130438.3(SPTAN1):c.5085A>G (p.Leu1695=)

Gene: SPTAN1 (spectrin alpha, non-erythrocytic 1; plus strand). Cytogenetic location: 9q34.11.
Variant type: single nucleotide variant.
Coding change: c.5085A>G on transcript NM_001130438.3 (MANE Select); coding-DNA position 5085, A replaced by G.
Protein change: p.Leu1695=; no amino-acid change (leucine 1695 retained).
Molecular consequence: synonymous variant.
Genome position (GRCh38, 1-based): chr9:128,613,422, A>G. VCF-style: chr9-128613422-A-G. GRCh37 (hg19) VCF-style: chr9-131375701-A-G.
Other names: p.Leu1695=; c.5010A>G, p.Leu1670= (NM_001195532.2); c.5085A>G, p.Leu1695= (NM_001363759.2, NM_001375310.1, NM_001375311.2 and 1 more transcripts); c.5025A>G, p.Leu1675= (NM_001363765.2, NM_001375314.2); c.5121A>G, p.Leu1707= (NM_001375312.2, NM_001375318.1); c.5070A>G, p.Leu1690= (NM_003127.4).
Identifiers: ClinVar variation 1166053 (VCV001166053.20), dbSNP rs1415568, ClinGen allele CA5265374.